The following is an entry in ClinVar:

ClinVar aggregate classification (germline): Pathogenic (1 of 4 stars; one submission).

Conditions:
Ataxia-telangiectasia syndrome (AT). Also called: Ataxia-telangiectasia, complementation group D; AT, COMPLEMENTATION GROUP C; ATAXIA-TELANGIECTASIA, COMPLEMENTATION GROUP A; ATAXIA-TELANGIECTASIA, FRESNO VARIANT; Ataxia-telangiectasia; Ataxia-telangiectasia, complementation group E. Identifiers: Orphanet 100, MedGen C0004135, MONDO:0008840, OMIM 208900.

Submission:

Labcorp Genetics (formerly Invitae), Labcorp
Classification: Pathogenic for Ataxia-telangiectasia syndrome. Last evaluated: 2024-02-14. Review status: criteria provided, single submitter. Criteria: Invitae Variant Classification Sherloc (09022015). Collection method: clinical testing. Allele origin: germline.
Comment: This sequence change creates a premature translational stop signal (p.Thr2983Asnfs*6) in the ATM gene. While this is not anticipated to result in nonsense mediated decay, it is expected to disrupt the last 74 amino acid(s) of the ATM protein. This variant is not present in population databases (gnomAD no frequency). This premature translational stop signal has been observed in individual(s) with ataxia-telangiectasia (PMID: 8845835). This variant disrupts a region of the ATM protein in which other variant(s) (p.Arg2993*) have been determined to be pathogenic (PMID: 12815592, 16238588, 17124347, 20840352, 23322442, 23774824). This suggests that this is a clinically significant region of the protein, and that variants that disrupt it are likely to be disease-causing. For these reasons, this variant has been classified as Pathogenic.

Literature cited by the submitters: PubMed 8845835; PubMed 12815592; PubMed 16238588; PubMed 17124347; PubMed 20840352; PubMed 23322442; PubMed 23774824.

NM_000051.4(ATM):c.8947dup (p.Thr2983fs)

Genes: ATM (ATM serine/threonine kinase; plus strand), C11orf65 (chromosome 11 open reading frame 65; minus strand). Cytogenetic location: 11q22.3.
Variant type: Duplication.
Coding change: c.8947dup on transcript NM_000051.4 (MANE Select); coding-DNA position 8947, one base duplicated (A; older notation c.8947dupA).
Protein change: p.Thr2983fs; shifts the reading frame from threonine 2983.
Molecular consequence: frameshift variant. On other transcripts: intron variant (2).
Genome position (GRCh38, 1-based): chr11:108,365,178, A duplicated. VCF-style (leftmost placement, unchanged base first): chr11-108365177-T-TA. GRCh37 (hg19) VCF-style: chr11-108235904-T-TA.
Other names: c.8947dup, p.Thr2983fs (NM_001351834.2); c.640+20742dup (NM_001330368.2); c.694+20742dup (NM_001351110.2); short protein forms T2983fs.
Identifiers: ClinVar variation 3721091 (VCV003721091.2).